The following is an entry in ClinVar:

ClinVar aggregate classification (germline): Likely benign (1 of 4 stars; one submission).

Conditions:
BMP5-related disorder. Also called: BMP5-related condition.

Submission:

PreventionGenetics, part of Exact Sciences
Classification: Likely benign for BMP5-related condition. Last evaluated: 2026-08-28. Review status: criteria provided, single submitter. Criteria: ACMG Guidelines, 2015. Collection method: clinical testing. Allele origin: germline.
Comment: This variant is classified as likely benign based on ACMG/AMP sequence variant interpretation guidelines (Richards et al. 2015 PMID: 25741868, with internal and published modifications).

NM_021073.4(BMP5):c.1105-29GT[14]

Gene: BMP5 (bone morphogenetic protein 5; minus strand). Cytogenetic location: 6p12.1.
Variant type: Microsatellite.
Coding change: c.1105-29GT[14] on transcript NM_021073.4 (MANE Select); 14 copies in a row of the 2-base unit GT starting at c.1105-29; the reference has ten copies in a row; four copies, 8 bases duplicated.
Molecular consequence: intron variant.
Genome position (GRCh38, 1-based): chr6:55,759,125-55,759,132, ACACACAC duplicated on the plus strand (GTGTGTGT on the coding strand, the reverse complement: BMP5 is on the minus strand); duplicating any 8 consecutive bases within chr6:55,759,125-55,759,145 gives the same sequence; the position shown is the placement nearest the transcript's 3' end. VCF-style (leftmost placement, unchanged base first): chr6-55759124-T-TACACACAC. GRCh37 (hg19) VCF-style: chr6-55623922-T-TACACACAC.
Other names: c.1028-3462GT[14] (NM_001329756.2); c.1104+1313GT[14] (NM_001329754.2).
Identifiers: ClinVar variation 4980243 (VCV004980243.1).
Genomic context (GRCh38, chr6:55,759,124, plus strand): 5'-ATTCTCCATCACAATAAAATGCAGCGTATCCTTCTGGTGCTATAATCCAGTCCTGACACA[T>TACACACAC]ACACACACACACACACACACAAAAAAAAAAAAAAAAAAAAAAAAAAAAAAAAAAAAAAAC-3'